The following is an entry in ClinVar:

ClinVar aggregate classification (germline): Uncertain significance (1 of 4 stars; one submission).

Submission:

GeneDx
Classification: Uncertain significance. Last evaluated: 2025-11-03. Review status: criteria provided, single submitter. Criteria: GeneDx Variant Classification Process June 2021. Collection method: clinical testing. Allele origin: germline.
Comment: Not observed at significant frequency in large population cohorts (gnomAD); In silico analysis supports that this missense variant has a deleterious effect on protein structure/function; Has not been previously published as pathogenic or benign to our knowledge

NM_000193.4(SHH):c.386A>T (p.Asp129Val)

Gene: SHH (sonic hedgehog signaling molecule; minus strand). Cytogenetic location: 7q36.3.
Variant type: single nucleotide variant.
Coding change: c.386A>T on transcript NM_000193.4 (MANE Select); coding-DNA position 386, A replaced by T.
Protein change: p.Asp129Val; replaces aspartic acid 129 with valine.
Molecular consequence: missense variant. On other transcripts: non-coding transcript variant (2).
Genome position (GRCh38, 1-based): chr7:155,806,472, T>A on the plus strand (A>T on the coding strand, the complement: SHH is on the minus strand). VCF-style: chr7-155806472-T-A. GRCh37 (hg19) VCF-style: chr7-155599166-T-A.
Other names: c.125A>T, p.Asp42Val (NM_001310462.2); short protein forms D129V, D42V.
Identifiers: ClinVar variation 3391779 (VCV003391779.2).